The following is an entry in ClinVar:

NM_001709.5(BDNF):c.630T>C (p.Thr210=)

Genes: BDNF (brain derived neurotrophic factor; minus strand), BDNF-AS (BDNF antisense RNA; plus strand). Cytogenetic location: 11p14.1.
Variant type: single nucleotide variant.
Coding change: c.630T>C on transcript NM_001709.5 (MANE Select); coding-DNA position 630, T replaced by C.
Protein change: p.Thr210=; no amino-acid change (threonine 210 retained).
Molecular consequence: synonymous variant.
Genome position (GRCh38, 1-based): chr11:27,657,935, A>G on the plus strand (T>C on the coding strand, the complement: BDNF is on the minus strand). VCF-style: chr11-27657935-A-G. GRCh37 (hg19) VCF-style: chr11-27679482-A-G.
Other names: c.630T>C, p.Thr210= (NM_001143805.1, NM_001143806.1, NM_001143807.2 and 9 more transcripts); c.717T>C, p.Thr239= (NM_001143809.2); c.876T>C, p.Thr292= (NM_001143810.2); c.654T>C, p.Thr218= (NM_170731.5); c.675T>C, p.Thr225= (NM_170734.4).
Identifiers: ClinVar variation 3355834 (VCV003355834.1).

ClinVar aggregate classification (germline): Likely benign (0 of 4 stars; one submission).

Conditions:
BDNF-related disorder. Also called: BDNF-related condition.

Submission:

PreventionGenetics, part of Exact Sciences
Classification: Likely benign for BDNF-related condition. Last evaluated: 2022-06-13. Review status: no assertion criteria provided. Collection method: clinical testing. Allele origin: germline.
Comment: This variant is classified as likely benign based on ACMG/AMP sequence variant interpretation guidelines (Richards et al. 2015 PMID: 25741868, with internal and published modifications).